The following is an entry in ClinVar:

ClinVar aggregate classification (germline): Uncertain significance (1 of 4 stars; one submission).

Submission:

Labcorp Genetics (formerly Invitae), Labcorp
Classification: Uncertain significance. Last evaluated: 2022-07-06. Review status: criteria provided, single submitter. Criteria: Invitae Variant Classification Sherloc (09022015). Collection method: clinical testing. Allele origin: germline.
Comment: In summary, the available evidence is currently insufficient to determine the role of this variant in disease. Therefore, it has been classified as a Variant of Uncertain Significance. Experimental studies and prediction algorithms are not available or were not evaluated, and the functional significance of this variant is currently unknown. This variant has not been reported in the literature in individuals affected with TUBGCP4-related conditions. This variant results in a copy number gain of the genomic region encompassing exon(s) 1-9 of the TUBGCP4 gene. This region includes the initiator codon of the gene. This copy number gain extends beyond the assayed region for this gene and therefore may encompass additional genes. As the precise location of this event is unknown, it may be in tandem or it may be located elsewhere in the genome.

NC_000015.9:g.(?_43663553)_(43678548_?)dup

Gene: TUBGCP4 (tubulin gamma complex component 4; plus strand). Cytogenetic location: 15q15.3.
Variant type: Duplication.
Identifiers: ClinVar variation 1062487 (VCV001062487.8).